The following is an entry in ClinVar:

NM_017852.5(NLRP2):c.1263C>G (p.Thr421=)

Gene: NLRP2 (NLR family pyrin domain containing 2; plus strand). Cytogenetic location: 19q13.42.
Variant type: single nucleotide variant.
Coding change: c.1263C>G on transcript NM_017852.5 (MANE Select); coding-DNA position 1263, C replaced by G.
Protein change: p.Thr421=; no amino-acid change (threonine 421 retained).
Molecular consequence: synonymous variant. On other transcripts: non-coding transcript variant (1).
Genome position (GRCh38, 1-based): chr19:54,982,961, C>G. VCF-style: chr19-54982961-C-G. GRCh37 (hg19) VCF-style: chr19-55494329-C-G.
Other names: c.1263C>G, p.Thr421= (NM_001174081.3); c.1197C>G, p.Thr399= (NM_001174082.3); c.1194C>G, p.Thr398= (NM_001174083.2); c.1254C>G, p.Thr418= (NM_001348003.2).
Identifiers: ClinVar variation 3051283 (VCV003051283.2), dbSNP rs752220023, ClinGen allele CA883732627.

ClinVar aggregate classification (germline): Likely benign (0 of 4 stars; one submission).

Conditions:
NLRP2-related disorder. Also called: NLRP2-related condition.

gnomAD v4.1: 25 of 1,611,968 alleles (0.0016%); highest among the groups gnomAD compares: Admixed American, 0.0067%; no homozygotes.

Submission:

PreventionGenetics, part of Exact Sciences
Classification: Likely benign for NLRP2-related condition. Last evaluated: 2020-02-23. Review status: no assertion criteria provided. Collection method: clinical testing. Allele origin: germline.
Comment: This variant is classified as likely benign based on ACMG/AMP sequence variant interpretation guidelines (Richards et al. 2015 PMID: 25741868, with internal and published modifications).